The following is an entry in ClinVar:

NM_025099.6(CTC1):c.2519G>A (p.Arg840Gln)

Gene: CTC1 (CST telomere replication complex component 1; minus strand). Cytogenetic location: 17p13.1.
Variant type: single nucleotide variant.
Coding change: c.2519G>A on transcript NM_025099.6 (MANE Select); coding-DNA position 2519, G replaced by A.
Protein change: p.Arg840Gln; replaces arginine 840 with glutamine.
Molecular consequence: missense variant. On other transcripts: non-coding transcript variant (1).
Genome position (GRCh38, 1-based): chr17:8,231,426, C>T on the plus strand (G>A on the coding strand, the complement: CTC1 is on the minus strand). VCF-style: chr17-8231426-C-T. GRCh37 (hg19) VCF-style: chr17-8134744-C-T.
Other names: c.2519G>A, p.Arg840Gln (NM_001411067.1); short protein forms R840Q.
Identifiers: ClinVar variation 2139170 (VCV002139170.3), dbSNP rs776840732, ClinGen allele CA8372038.

ClinVar aggregate classification (germline): Uncertain significance (1 of 4 stars; one submission).

Conditions:
Dyskeratosis congenita. Identifiers: Orphanet 1775, MedGen C0265965, MONDO:0015780.

Allele frequency attached by ClinVar (database versions not stated): gnomAD exomes below 0.00001; TOPMed below 0.00001.
gnomAD v4.1: 6 of 1,613,120 alleles (0.00037%); highest among the groups gnomAD compares: East Asian, 0.0022%; no homozygotes.

Submission:

Labcorp Genetics (formerly Invitae), Labcorp
Classification: Uncertain significance for Dyskeratosis congenita. Last evaluated: 2022-05-04. Review status: criteria provided, single submitter. Criteria: Invitae Variant Classification Sherloc (09022015). Collection method: clinical testing. Allele origin: germline.
Comment: Algorithms developed to predict the effect of missense changes on protein structure and function output the following: SIFT: "Tolerated"; PolyPhen-2: "Benign"; Align-GVGD: "Class C0". The glutamine amino acid residue is found in multiple mammalian species, which suggests that this missense change does not adversely affect protein function. In summary, the available evidence is currently insufficient to determine the role of this variant in disease. Therefore, it has been classified as a Variant of Uncertain Significance. This variant disrupts the p.Arg840 amino acid residue in CTC1. Other variant(s) that disrupt this residue have been determined to be pathogenic (PMID: 22267198, 23869908, 24115768, 29228254, 29481669). This suggests that this residue is clinically significant, and that variants that disrupt this residue are likely to be disease-causing. This variant has not been reported in the literature in individuals affected with CTC1-related conditions. This variant is present in population databases (rs776840732, gnomAD 0.006%). This sequence change replaces arginine, which is basic and polar, with glutamine, which is neutral and polar, at codon 840 of the CTC1 protein (p.Arg840Gln).

Literature cited by the submitters: PubMed 22267198; PubMed 23869908; PubMed 24115768; PubMed 29228254; PubMed 29481669.